The following is an entry in ClinVar:

ClinVar aggregate classification (germline): Pathogenic. Review status: criteria provided, multiple submitters, no conflicts (2 of 4 stars). 11 submissions from 11 submitters: Pathogenic (10). 1 of the submissions does not count toward it. Last evaluated 2026-04-14.

Conditions:
Hypophosphatasia. Also called: Phosphoethanol-aminuria. Identifiers: Orphanet 436, MedGen C0020630, MeSH D007014, MONDO:0018570.
Adult hypophosphatasia. Identifiers: Orphanet 247676, Orphanet 436, MedGen C0268413, MONDO:1010154, OMIM 146300, MONDO:0007798.
ALPL-related disorder. Also called: ALPL-related disorders; ALPL-related condition.
Infantile hypophosphatasia. Identifiers: Orphanet 247651, Orphanet 436, MedGen C0268412, MONDO:1010169, OMIM 241500, MONDO:0009427.
Childhood hypophosphatasia. Identifiers: Orphanet 247667, Orphanet 436, MedGen C0220743, MONDO:1010168, OMIM 241510, MONDO:0009428.
ALPL-related autosomal dominant hypophosphatasia. Identifiers: MedGen CN379220, MONDO:0100608.

Allele frequency attached by ClinVar (database versions not stated): gnomAD 0.00001; gnomAD exomes 0.00001; TOPMed 0.00001.
gnomAD v4.1: 16 of 1,614,082 alleles (0.00099%); highest among the groups gnomAD compares: Non-Finnish European, 0.0012%; no homozygotes.

Submissions 1 to 9 of 11:

Women's Health and Genetics/Laboratory Corporation of America, LabCorp
Classification: Pathogenic for Hypophosphatasia. Last evaluated: 2026-04-14. Review status: criteria provided, single submitter. Criteria: LabCorp Variant Classification Summary - May 2015. Collection method: clinical testing. Allele origin: germline.
Comment: Variant summary: ALPL c.1172G>A (p.Arg391His) results in a non-conservative amino acid change in the encoded protein sequence. Algorithms developed to predict the effect of missense changes on protein structure and function all suggest that this variant is likely to be disruptive. The variant allele was found at a frequency of 8e-06 in 251480 control chromosomes. c.1172G>A has been observed in individuals affected with Hypophosphatasia, Autosomal Dominant (Orimo_2009, Whyte_2015, internal data). A different variant affecting the same codon has been classified as pathogenic by our lab (c.1171C>T, p.Arg391Cys), supporting the critical relevance of codon 391 to ALPL protein function. Experimental studies have shown that this missense change affects ALPL function (PMID: Orimo_2009, Fauvert_2009). The following publications have been ascertained in the context of this evaluation (PMID: 11760847, 19500388, 25731960). ClinVar contains an entry for this variant (Variation ID: 550626). Based on the evidence outlined above, the variant was classified as pathogenic.

Victorian Clinical Genetics Services, Murdoch Childrens Research Institute
Classification: Pathogenic for ALPL-related autosomal dominant hypophosphatasia. Last evaluated: 2026-02-25. Review status: criteria provided, single submitter. Criteria: ACMG Guidelines, 2015. Collection method: clinical testing. Allele origin: germline. Affected: no.
Comment: This variant is classified as Pathogenic. Evidence in support of pathogenic classification: Variant is present in gnomAD <0.01 (v4: 16 heterozygote(s), 0 homozygote(s)). - This variant has strong previous evidence of pathogenicity in unrelated individuals. This variant has been classified as pathogenic multiple times and once as VUS by clinical laboratories in ClinVar. It has also been reported in the literature in heterozygous individuals with adult onset hypophosphatasia as well as mild childhood onset disease (PMIDs: 32973344, 25731960, 37600704). Additionally, it has been reported as compound heterozygous in individuals with perinatal disease onset (PMID: 32973344); This variant has moderate functional evidence supporting abnormal protein function. This variant (previously referred to as p.(Arg374His)) has been demonstrated to result in an ALPL enzymatic activity of 3.7% when compared to wildtype protein (PMID: 11760847). Additionally, when transfected with wild type this variant had a residual activity of 29%, consistent with a dominant negative effect on the wild type protein (PMID: 19500388); Missense variant predicted to be damaging by in silico tool(s) or highly conserved with a major amino acid change. Additional information: Variant is predicted to result in a missense amino acid change from Arg to His; This variant is heterozygous; This gene is associated with both recessive and dominant disease. Severe forms of hypophosphatasia (perinatal and infantile) are generally associated with autosomal recessive disease, while the milder forms of hypophosphatasia (childhood, adult and odontohypophosphatasia) have been associated with both autosomal dominant and recessive disease (PMID: 19500388, 23688511); Alternative amino acid change(s) at the same position are present in gnomAD (highest allele count: v4: 94 heterozygote(s), 0 homozygote(s)). - Variant is located in the annotated alkaline phosphatase domain (DECIPHER); Dominant negative and loss of function are known mechanisms of disease in this gene. Late-onset/mild disease is associated with monoallelic dominant negative variants or biallelic loss of function variants that retain residual enzyme activity, while early-onset/severe disease is caused by more complete loss of function variants (PMID: 20301329, 19500388); The condition associated with this gene has incomplete penetrance (PMID: 20301329); Variants in this gene are known to have variable expressivity (PMID: 20301329).

GeneDx
Classification: Pathogenic. Last evaluated: 2026-01-09. Review status: criteria provided, single submitter. Criteria: GeneDx Variant Classification Process June 2021. Collection method: clinical testing. Allele origin: germline. Affected: yes.
Comment: Published functional studies demonstrate the R391H variant has reduced activity compared to wildtype, which is consistent with loss of function (PMID: 19500388, 32160374, 37422472); In silico analysis supports that this missense variant has a deleterious effect on protein structure/function; This variant is associated with the following publications: (PMID: 32160374, 11760847, 34662886, 19500388, 29236161, 37422472, 39983296, 38702915, 37600704, 34633109, 32973344, 25731960, 32811521, 30655187, 41294821)

Genomenon, Inc
Classification: Pathogenic for Hypophosphatasia. Last evaluated: 2025-08-29. Review status: criteria provided, single submitter. Criteria: Genomenon Sequence Variant Interpretation Standards. Collection method: curation. Allele origin: germline. Affected: yes.
Comment: ALPL p.Arg391His (c.1172G>A) is a missense variant that changes the amino acid at residue 391 from Arginine to Histidine. This variant has been observed in at least one proband affected with hypophosphatasia (PMID:29236161;32973344;11760847;25731960;32811521;37600704;19500388;30655187). At least one functional study has demonstrated a substantial alteration in protein function relative to the wild-type (PMID:11760847;32160374;19500388). It is absent or not present at a significant frequency in gnomAD. In silico models agree that this variant is possibly or probably damaging. In conclusion, we classify ALPL p.Arg391His (c.1172G>A) as a pathogenic variant.

CeGaT Center for Human Genetics Tuebingen
Classification: Pathogenic. Last evaluated: 2025-01-01. Review status: criteria provided, single submitter. Criteria: CeGaT Center For Human Genetics Tuebingen Variant Classification Criteria Version 2. Collection method: clinical testing. Allele origin: germline. Affected: yes. Observed: 1 variant allele.
Comment: ALPL: PM2, PM5, PP4:Moderate, PS4:Moderate, PP3, PS3:Supporting

Labcorp Genetics (formerly Invitae), Labcorp
Classification: Pathogenic. Last evaluated: 2024-12-03. Review status: criteria provided, single submitter. Criteria: Invitae Variant Classification Sherloc (09022015). Collection method: clinical testing. Allele origin: germline.
Comment: This sequence change replaces arginine, which is basic and polar, with histidine, which is basic and polar, at codon 391 of the ALPL protein (p.Arg391His). This variant is present in population databases (no rsID available, gnomAD 0.01%). This missense change has been observed in individuals with autosomal dominant hypophosphatasia (PMID: 11760847, 19500388, 25731960; internal data). This variant is also known as Arg374His. ClinVar contains an entry for this variant (Variation ID: 550626). Invitae Evidence Modeling of protein sequence and biophysical properties (such as structural, functional, and spatial information, amino acid conservation, physicochemical variation, residue mobility, and thermodynamic stability) indicates that this missense variant is expected to disrupt ALPL protein function with a positive predictive value of 95%. Experimental studies have shown that this missense change affects ALPL function (PMID: 11760847, 19500388). For these reasons, this variant has been classified as Pathogenic.

Blueprint Genetics
Classification: Pathogenic for ALPL-related disorders. Last evaluated: 2024-09-23. Review status: criteria provided, single submitter. Criteria: ACMG Guidelines, 2015. Collection method: clinical testing. Allele origin: germline. Affected: yes. Observed: 4 variant alleles.

Mayo Clinic Laboratories, Mayo Clinic
Classification: Pathogenic. Last evaluated: 2024-03-22. Review status: criteria provided, single submitter. Criteria: ACMG Guidelines, 2015. Collection method: clinical testing. Allele origin: germline. Observed: 1 variant allele.
Comment: PP3, PP4, PM5, PS3, PS4_moderate

Baylor Genetics
Classification: Pathogenic for Adult hypophosphatasia. Last evaluated: 2024-01-27. Review status: criteria provided, single submitter. Criteria: ACMG Guidelines, 2015. Collection method: clinical testing. Allele origin: unknown.

NM_000478.6(ALPL):c.1172G>A (p.Arg391His)

Gene: ALPL (alkaline phosphatase, biomineralization associated; plus strand). Cytogenetic location: 1p36.12.
Variant type: single nucleotide variant.
Coding change: c.1172G>A on transcript NM_000478.6 (MANE Select); coding-DNA position 1172, G replaced by A.
Protein change: p.Arg391His; replaces arginine 391 with histidine.
Molecular consequence: missense variant.
Genome position (GRCh38, 1-based): chr1:21,575,907, G>A. VCF-style: chr1-21575907-G-A. GRCh37 (hg19) VCF-style: chr1-21902400-G-A.
Other names: p.Arg391His; c.1007G>A, p.Arg336His (NM_001127501.4); c.941G>A, p.Arg314His (NM_001177520.3); c.1172G>A, p.Arg391His (NM_001369803.2, NM_001369804.2, NM_001369805.2); short protein forms R391H, R314H, R336H.
Identifiers: ClinVar variation 550626 (VCV000550626.33), dbSNP rs1442918125, ClinGen allele CA338881485.
Genomic context (GRCh38, chr1:21,575,907, plus strand): 5'-CTCTGACCGTGGTCACTGCGGACCATTCCCACGTCTTCACATTTGGTGGATACACCCCCC[G>A]TGGCAACTCTATCTTTGGTAGGTGGGCCTTCTTTGGGGTGGACACTCCTGGGGTCTCCTG-3'
Protein context (NP_000469.3, residues 381-401): HVFTFGGYTP[Arg391His]GNSIFGLAPM